The following is an entry in ClinVar:

NM_000053.4(ATP7B):c.3507G>A (p.Met1169Ile)

Gene: ATP7B (ATPase copper transporting beta; minus strand). Cytogenetic location: 13q14.3.
Variant type: single nucleotide variant.
Coding change: c.3507G>A on transcript NM_000053.4 (MANE Select); coding-DNA position 3507, G replaced by A.
Protein change: p.Met1169Ile; replaces methionine 1169 with isoleucine.
Molecular consequence: missense variant.
Genome position (GRCh38, 1-based): chr13:51,941,130, C>T on the plus strand (G>A on the coding strand, the complement: ATP7B is on the minus strand). VCF-style: chr13-51941130-C-T. GRCh37 (hg19) VCF-style: chr13-52515266-C-T.
Other names: c.3174G>A, p.Met1058Ile (NM_001243182.2); c.3273G>A, p.Met1091Ile (NM_001330578.2, NM_001406528.1, NM_001406527.1); c.3507G>A, p.Met1169Ile (NM_001406512.1, NM_001406511.1, NM_001406526.1); c.3501G>A, p.Met1167Ile (NM_001406513.1); c.3267G>A, p.Met1089Ile (NM_001406530.1); c.3255G>A, p.Met1085Ile (NM_001406531.1, NM_001406532.1, NM_001330579.2); c.2886G>A, p.Met962Ile (NM_001005918.3); c.3474G>A, p.Met1158Ile (NM_001406514.1); and 18 more; short protein forms M1007I, M1020I, M1026I, M1056I, M1058I, M1059I, M1073I, M1085I.
Identifiers: ClinVar variation 2417599 (VCV002417599.6), dbSNP rs2138778908, ClinGen allele CA388026279.

ClinVar aggregate classification (germline): Uncertain significance. Review status: criteria provided, multiple submitters, no conflicts (2 of 4 stars). 2 submissions from 2 submitters: Uncertain significance (2). Last evaluated 2024-06-27.

Conditions:
Wilson disease (WND). Also called: Wilson's disease. Identifiers: Orphanet 905, MedGen C0019202, MONDO:0010200, OMIM 277900. Disease mechanism: loss of function.

Allele frequency attached by ClinVar (database versions not stated): gnomAD exomes below 0.00001.

Submissions (2):

All of Us Research Program, National Institutes of Health
Classification: Uncertain significance for Wilson disease. Last evaluated: 2024-06-27. Review status: criteria provided, single submitter. Criteria: ACMG Guidelines, 2015. Collection method: clinical testing. Allele origin: germline. Inheritance: Autosomal recessive inheritance. Observed: 1 variant allele, 1 heterozygote.
Comment: This missense variant replaces methionine with isoleucine at codon 1169 of the ATP7B protein. Computational prediction suggests that this variant may have deleterious impact on protein structure and function. To our knowledge, functional studies have not been reported for this variant. This variant has not been reported in individuals affected with ATP7B-related disorders in the literature. This variant has not been identified in the general population by the Genome Aggregation Database (gnomAD). The available evidence is insufficient to determine the role of this variant in disease conclusively. Therefore, this variant is classified as a Variant of Uncertain Significance.

This study involves interpretation of variants in research participants for the purpose of population health screening. Participant phenotype was not available at the time of variant classification. Additional details can be found in publication PMID: 35346344, PMCID: PMC8962531

Labcorp Genetics (formerly Invitae), Labcorp
Classification: Uncertain significance for Wilson disease. Last evaluated: 2024-02-24. Review status: criteria provided, single submitter. Criteria: Invitae Variant Classification Sherloc (09022015). Collection method: clinical testing. Allele origin: germline.
Comment: This sequence change replaces methionine, which is neutral and non-polar, with isoleucine, which is neutral and non-polar, at codon 1169 of the ATP7B protein (p.Met1169Ile). This variant is not present in population databases (gnomAD no frequency). This variant has not been reported in the literature in individuals affected with ATP7B-related conditions. ClinVar contains an entry for this variant (Variation ID: 2417599). Advanced modeling of protein sequence and biophysical properties (such as structural, functional, and spatial information, amino acid conservation, physicochemical variation, residue mobility, and thermodynamic stability) has been performed at Invitae for this missense variant, however the output from this modeling did not meet the statistical confidence thresholds required to predict the impact of this variant on ATP7B protein function. This variant disrupts the p.Met1169 amino acid residue in ATP7B. Other variant(s) that disrupt this residue have been observed in individuals with ATP7B-related conditions (PMID: 10544227, 20517649), which suggests that this may be a clinically significant amino acid residue. In summary, the available evidence is currently insufficient to determine the role of this variant in disease. Therefore, it has been classified as a Variant of Uncertain Significance.

Literature cited by the submitters: PubMed 10544227 (cited by Labcorp Genetics (formerly Invitae), Labcorp); PubMed 20517649 (cited by Labcorp Genetics (formerly Invitae), Labcorp).